The following is an entry in ClinVar:

NM_001267550.2(TTN):c.71681G>A (p.Gly23894Asp)

Genes: TTN (titin; minus strand), TTN-AS1 (TTN antisense RNA 1; plus strand). Cytogenetic location: 2q31.2.
Variant type: single nucleotide variant.
Coding change: c.71681G>A on transcript NM_001267550.2 (MANE Select); coding-DNA position 71681, G replaced by A.
Protein change: p.Gly23894Asp; replaces glycine 23894 with aspartic acid.
Molecular consequence: missense variant.
Genome position (GRCh38, 1-based): chr2:178,574,451, C>T on the plus strand (G>A on the coding strand, the complement: TTN is on the minus strand). VCF-style: chr2-178574451-C-T. GRCh37 (hg19) VCF-style: chr2-179439178-C-T.
Other names: c.66758G>A, p.Gly22253Asp (NM_001256850.1); c.44486G>A, p.Gly14829Asp (NM_003319.4); c.63977G>A, p.Gly21326Asp (NM_133378.4); c.44861G>A, p.Gly14954Asp (NM_133432.3); c.45062G>A, p.Gly15021Asp (NM_133437.4); short protein forms G14829D, G14954D, G15021D, G21326D, G22253D, G23894D.
Identifiers: ClinVar variation 4854557 (VCV004854557.1).

ClinVar aggregate classification (germline): Uncertain significance (1 of 4 stars; one submission).

Conditions:
Dilated cardiomyopathy 1G (CMD1G). Identifiers: Orphanet 154, MedGen C1858763, MONDO:0011400, OMIM 604145.

Submission:

3billion
Classification: Uncertain significance for Dilated cardiomyopathy 1G. Last evaluated: 2025-07-31. Review status: criteria provided, single submitter. Criteria: ACMG Guidelines, 2015. Collection method: clinical testing. Allele origin: germline. Affected: yes.
Comment: The variant is not observed in the gnomAD v4.1.0 dataset. Predicted Consequence/Location: Missense variant. The majority of the known disease-causing variants of this gene are variants expected to result in premature termination of the protein. In silico tool predictions suggest damaging effect of the variant on gene or gene product [REVEL: 0.64 (>=0.6, sensitivity 0.68 and specificity 0.92)]. Therefore, this variant is classified as VUS according to the recommendation of ACMG/AMP guideline.